The following is an entry in ClinVar:

NM_000135.4(FANCA):c.1485C>G (p.His495Gln)

Gene: FANCA (FA complementation group A; minus strand). Cytogenetic location: 16q24.3.
Variant type: single nucleotide variant.
Coding change: c.1485C>G on transcript NM_000135.4 (MANE Select); coding-DNA position 1485, C replaced by G.
Protein change: p.His495Gln; replaces histidine 495 with glutamine.
Molecular consequence: missense variant.
Genome position (GRCh38, 1-based): chr16:89,783,088, G>C on the plus strand (C>G on the coding strand, the complement: FANCA is on the minus strand). VCF-style: chr16-89783088-G-C. GRCh37 (hg19) VCF-style: chr16-89849496-G-C.
Other names: c.1485C>G, p.His495Gln (NM_001286167.3); short protein forms H495Q.
Identifiers: ClinVar variation 5036386 (VCV005036386.1).

ClinVar aggregate classification (germline): Uncertain significance (1 of 4 stars; one submission).

Conditions:
Inborn genetic diseases. Identifiers: MedGen C0950123, MeSH D030342.

Submission:

Ambry Genetics
Classification: Uncertain significance for Inborn genetic diseases. Last evaluated: 2026-07-31. Review status: criteria provided, single submitter. Criteria: Ambry Variant Classification Scheme 2023. Collection method: clinical testing. Allele origin: germline.
Comment: The p.H495Q variant (also known as c.1485C>G), located in coding exon 16 of the FANCA gene, results from a C to G substitution at nucleotide position 1485. The histidine at codon 495 is replaced by glutamine, an amino acid with highly similar properties. This amino acid position is conserved. In addition, the in silico prediction for this alteration is inconclusive. Based on the available evidence, the clinical significance of this variant remains unclear.